The following is an entry in ClinVar:

NC_000002.11:g.(?_26695367)_(26741997_?)dup

Gene: OTOF (otoferlin; minus strand). Cytogenetic location: 2p23.3.
Variant type: Duplication.
Identifiers: ClinVar variation 3247614 (VCV003247614.1).

ClinVar aggregate classification (germline): Likely pathogenic (1 of 4 stars; one submission).

Submission:

Labcorp Genetics (formerly Invitae), Labcorp
Classification: Likely pathogenic. Last evaluated: 2023-11-06. Review status: criteria provided, single submitter. Criteria: Invitae Variant Classification Sherloc (09022015). Collection method: clinical testing. Allele origin: unknown.
Comment: This variant results in a copy number gain of the genomic region encompassing exon(s) 4-30 of the OTOF gene. While the exact position of this variant cannot be determined from the data, sub-genic copy number gains are generally in tandem (PMID: 25640679). This variant is predicted to be out-of-frame, and may result in an absent or disrupted protein product. Loss-of-function variants in OTOF are known to be pathogenic (PMID: 18381613, 19250381, 22575033). This variant has not been reported in the literature in individuals affected with OTOF-related conditions. In summary, the currently available evidence indicates that the variant is pathogenic, but additional data are needed to prove that conclusively. Therefore, this variant has been classified as Likely Pathogenic.

Literature cited by the submitters: PubMed 25640679; PubMed 18381613; PubMed 19250381; PubMed 22575033.